The following is an entry in ClinVar:

ClinVar aggregate classification (germline): Conflicting classifications of pathogenicity. Review status: criteria provided, conflicting classifications (1 of 4 stars). 4 submissions from 4 submitters: Uncertain significance (3); Likely benign (1). Last evaluated 2025-10-14.

Conditions:
Inborn genetic diseases. Identifiers: MedGen C0950123, MeSH D030342.

Allele frequency attached by ClinVar (database versions not stated): gnomAD 0.00001; TOPMed 0.00003; ESP Exome Variant Server 0.00008.
gnomAD v4.1: 22 of 1,613,626 alleles (0.0014%); highest among the groups gnomAD compares: Admixed American, 0.013%; no homozygotes.

Submissions (4):

Ambry Genetics
Classification: Uncertain significance for Inborn genetic diseases. Last evaluated: 2025-10-14. Review status: criteria provided, single submitter. Criteria: Ambry Variant Classification Scheme 2023. Collection method: clinical testing. Allele origin: germline.

Labcorp Genetics (formerly Invitae), Labcorp
Classification: Uncertain significance. Last evaluated: 2025-10-14. Review status: criteria provided, single submitter. Criteria: Invitae Variant Classification Sherloc (09022015). Collection method: clinical testing. Allele origin: germline.
Comment: This sequence change replaces arginine, which is basic and polar, with histidine, which is basic and polar, at codon 1044 of the SAMD9L protein (p.Arg1044His). This variant is present in population databases (rs370894881, gnomAD 0.02%). This variant has not been reported in the literature in individuals affected with SAMD9L-related conditions. ClinVar contains an entry for this variant (Variation ID: 1373768). Invitae Evidence Modeling of protein sequence and biophysical properties (such as structural, functional, and spatial information, amino acid conservation, physicochemical variation, residue mobility, and thermodynamic stability) indicates that this missense variant is not expected to disrupt SAMD9L protein function with a negative predictive value of 80%. In summary, the available evidence is currently insufficient to determine the role of this variant in disease. Therefore, it has been classified as a Variant of Uncertain Significance.

CeGaT Center for Human Genetics Tuebingen
Classification: Likely benign. Last evaluated: 2025-07-01. Review status: criteria provided, single submitter. Criteria: CeGaT Center For Human Genetics Tuebingen Variant Classification Criteria Version 2. Collection method: clinical testing. Allele origin: germline. Affected: yes. Observed: 1 variant allele.
Comment: SAMD9L: BP4

GeneDx
Classification: Uncertain significance. Last evaluated: 2023-12-28. Review status: criteria provided, single submitter. Criteria: GeneDx Variant Classification Process June 2021. Collection method: clinical testing. Allele origin: germline. Affected: yes.
Comment: In silico analysis supports that this missense variant has a deleterious effect on protein structure/function; Has not been previously published as pathogenic or benign to our knowledge; This variant is associated with the following publications: (PMID: 28545555)

NM_152703.5(SAMD9L):c.3131G>A (p.Arg1044His)

Gene: SAMD9L (sterile alpha motif domain containing 9 like; minus strand). Cytogenetic location: 7q21.2.
Variant type: single nucleotide variant.
Coding change: c.3131G>A on transcript NM_152703.5 (MANE Select); coding-DNA position 3131, G replaced by A.
Protein change: p.Arg1044His; replaces arginine 1044 with histidine.
Molecular consequence: missense variant.
Genome position (GRCh38, 1-based): chr7:93,132,841, C>T on the plus strand (G>A on the coding strand, the complement: SAMD9L is on the minus strand). VCF-style: chr7-93132841-C-T. GRCh37 (hg19) VCF-style: chr7-92762154-C-T.
Other names: c.3131G>A, p.Arg1044His (NM_001303496.3, NM_001303497.3, NM_001303498.3 and 5 more transcripts); c.3131G>A (NM_152703.3, NM_152703.2); short protein forms R1044H.
Identifiers: ClinVar variation 1373768 (VCV001373768.18), dbSNP rs370894881, ClinGen allele CA4343500.